The following is an entry in ClinVar:

NM_004341.5(CAD):c.2099A>G (p.Tyr700Cys)

Gene: CAD (carbamoyl-phosphate synthetase 2, aspartate transcarbamylase, and dihydroorotase; plus strand). Cytogenetic location: 2p23.3.
Variant type: single nucleotide variant.
Coding change: c.2099A>G on transcript NM_004341.5 (MANE Select); coding-DNA position 2099, A replaced by G.
Protein change: p.Tyr700Cys; replaces tyrosine 700 with cysteine.
Molecular consequence: missense variant.
Genome position (GRCh38, 1-based): chr2:27,226,592, A>G. VCF-style: chr2-27226592-A-G. GRCh37 (hg19) VCF-style: chr2-27449460-A-G.
Other names: c.1910A>G, p.Tyr637Cys (NM_001306079.2); c.2099A>G (NM_004341.3); short protein forms Y637C, Y700C.
Identifiers: ClinVar variation 2048403 (VCV002048403.2), dbSNP rs763730203, ClinGen allele CA1572913.

ClinVar aggregate classification (germline): Uncertain significance. Review status: criteria provided, multiple submitters, no conflicts (2 of 4 stars). 2 submissions from 2 submitters: Uncertain significance (2). Last evaluated 2025-04-03.

Conditions:
Inborn genetic diseases. Identifiers: MedGen C0950123, MeSH D030342.

Allele frequency attached by ClinVar (database versions not stated): gnomAD 0.00001; TOPMed 0.00002; ExAC 0.00003.

Submissions (2):

Ambry Genetics
Classification: Uncertain significance for Inborn genetic diseases. Last evaluated: 2025-04-03. Review status: criteria provided, single submitter. Criteria: Ambry Variant Classification Scheme 2023. Collection method: clinical testing. Allele origin: germline.

Labcorp Genetics (formerly Invitae), Labcorp
Classification: Uncertain significance. Last evaluated: 2022-05-21. Review status: criteria provided, single submitter. Criteria: Invitae Variant Classification Sherloc (09022015). Collection method: clinical testing. Allele origin: germline.
Comment: This sequence change replaces tyrosine, which is neutral and polar, with cysteine, which is neutral and slightly polar, at codon 700 of the CAD protein (p.Tyr700Cys). This variant is present in population databases (rs763730203, gnomAD 0.03%). This variant has not been reported in the literature in individuals affected with CAD-related conditions. Algorithms developed to predict the effect of missense changes on protein structure and function are either unavailable or do not agree on the potential impact of this missense change (SIFT: "Deleterious"; PolyPhen-2: "Probably Damaging"; Align-GVGD: "Class C0"). In summary, the available evidence is currently insufficient to determine the role of this variant in disease. Therefore, it has been classified as a Variant of Uncertain Significance.